The following is an entry in ClinVar:

ClinVar aggregate classification (germline): Uncertain significance (1 of 4 stars; one submission).

Submission:

Ambry Genetics
Classification: Uncertain significance. Last evaluated: 2025-04-10. Review status: criteria provided, single submitter. Criteria: Ambry Variant Classification Scheme 2023. Collection method: clinical testing. Allele origin: germline.
Comment: The p.Q653E variant (also known as c.1957C>G), located in coding exon 8 of the RNF43 gene, results from a C to G substitution at nucleotide position 1957. The glutamine at codon 653 is replaced by glutamic acid, an amino acid with highly similar properties. This amino acid position is conserved. In addition, this alteration is predicted to be tolerated by in silico analysis. Based on the available evidence, the clinical significance of this variant remains unclear.

NM_017763.6(RNF43):c.1957C>G (p.Gln653Glu)

Gene: RNF43 (ring finger protein 43; minus strand). Cytogenetic location: 17q22.
Variant type: single nucleotide variant.
Coding change: c.1957C>G on transcript NM_017763.6 (MANE Select); coding-DNA position 1957, C replaced by G.
Protein change: p.Gln653Glu; replaces glutamine 653 with glutamic acid.
Molecular consequence: missense variant.
Genome position (GRCh38, 1-based): chr17:58,357,819, G>C on the plus strand (C>G on the coding strand, the complement: RNF43 is on the minus strand). VCF-style: chr17-58357819-G-C. GRCh37 (hg19) VCF-style: chr17-56435180-G-C.
Other names: c.1957C>G, p.Gln653Glu (NM_001305544.3); c.1576C>G, p.Gln526Glu (NM_001305545.2); short protein forms Q526E, Q653E.
Identifiers: ClinVar variation 3946849 (VCV003946849.1).
Genomic context (GRCh38, chr17:58,357,819, plus strand): 5'-TTGCATCCTGGGGCCGAGAGCCAGGGGTGGGCTCGGAGGGACCCCCCCGCCTTTTCCTCT[G>C]TGGGTGTCGGGCAGAGAGGCTGGATTTTTGCAAGTTGAACAGACTGCTGGTACTGGGGCA-3'
Protein context (NP_060233.3, residues 643-663): QKSSLSARHP[Gln653Glu]RKRRGGPSEP